The following is an entry in ClinVar:

NM_001197104.2(KMT2A):c.8593G>A (p.Ala2865Thr)

Gene: KMT2A (lysine methyltransferase 2A; plus strand). Cytogenetic location: 11q23.3.
Variant type: single nucleotide variant.
Coding change: c.8593G>A on transcript NM_001197104.2 (MANE Select); coding-DNA position 8593, G replaced by A.
Protein change: p.Ala2865Thr; replaces alanine 2865 with threonine.
Molecular consequence: missense variant.
Genome position (GRCh38, 1-based): chr11:118,504,485, G>A. VCF-style: chr11-118504485-G-A. GRCh37 (hg19) VCF-style: chr11-118375200-G-A.
Other names: c.8683G>A, p.Ala2895Thr (NM_001412597.1); c.8584G>A, p.Ala2862Thr (NM_005933.4); short protein forms A2865T, A2895T, A2862T.
Identifiers: ClinVar variation 1901020 (VCV001901020.5), dbSNP rs782610110, ClinGen allele CA229529061.

ClinVar aggregate classification (germline): Uncertain significance (1 of 4 stars; one submission).

Allele frequency attached by ClinVar (database versions not stated): TOPMed below 0.00001; gnomAD exomes 0.00003.

Submission:

Labcorp Genetics (formerly Invitae), Labcorp
Classification: Uncertain significance. Last evaluated: 2022-06-04. Review status: criteria provided, single submitter. Criteria: Invitae Variant Classification Sherloc (09022015). Collection method: clinical testing. Allele origin: germline.
Comment: This variant is present in population databases (rs782610110, gnomAD 0.0009%). In summary, the available evidence is currently insufficient to determine the role of this variant in disease. Therefore, it has been classified as a Variant of Uncertain Significance. Algorithms developed to predict the effect of missense changes on protein structure and function are either unavailable or do not agree on the potential impact of this missense change (SIFT: "Deleterious"; PolyPhen-2: "Benign"; Align-GVGD: "Class C0"). This variant has not been reported in the literature in individuals affected with KMT2A-related conditions. This sequence change replaces alanine, which is neutral and non-polar, with threonine, which is neutral and polar, at codon 2865 of the KMT2A protein (p.Ala2865Thr).